The following is an entry in ClinVar:

NC_012920.1(MT-ATP6):m.8993T>C

Gene: MT-ATP6 (mitochondrially encoded ATP synthase 6; plus strand).
Variant type: single nucleotide variant.
Genome position: chrM-8993-T-C.
Other names: MTATP6, 8993T-C, LEU156PRO; L156P.
Identifiers: ClinVar variation 9642 (VCV000009642.45), dbSNP rs199476133, ClinGen allele CA120596.

ClinVar aggregate classification (germline): Pathogenic. Review status: reviewed by expert panel (3 of 4 stars). 14 submissions from 13 submitters: Pathogenic (1). 13 of the submissions do not count toward it. Last evaluated 2021-02-17.

Conditions:
MT-ATP6-associated disorder.
MT-ATP6-related disorder.
Mitochondrial disease. Also called: Mitochondrial disorder; Mitochondrial disorders. Identifiers: Orphanet 68380, MedGen C0751651, MeSH D028361, MONDO:0044970.
Mitochondrial complex 5 (ATP synthase) deficiency, mitochondrial type 1. Also called: Mitochondrial complex v (atp synthase) deficiency, mitochondrial type 1. Identifiers: MedGen C3275684, MONDO:0027069, OMIM 500015.
Leigh syndrome (NULS). Also called: Subacute necrotizing encephalopathy; Necrotizing encephalopathy infantile subacute of Leigh; Leigh Syndrome (mtDNA deletion); Leigh Disease; Leigh's syndrome; LEIGH SYNDROME, NUCLEAR. Identifiers: Orphanet 506, MedGen C2931891, MONDO:0009723, OMIM 256000.
Ataxia and polyneuropathy, adult-onset. Identifiers: MedGen C1838916, MONDO:0010781, OMIM 500010.
Leber optic atrophy (LHON). Also called: Leber hereditary optic neuropathy; Leber's disease; Optic Atrophy, Hereditary, Leber; Leber's optic atrophy. Identifiers: Orphanet 104, MedGen C0917796, MONDO:0010788, OMIM 535000, HP:0001112.
NARP syndrome. Also called: NARP; NEUROPATHY, ATAXIA, AND RETINITIS PIGMENTOSA. Identifiers: Orphanet 644, MedGen C1328349, MONDO:0010794, OMIM 551500.

Submissions (14):

ClinGen Mitochondrial Disease Nuclear and Mitochondrial  Variant Curation Expert Panel, ClinGen
Classification: Pathogenic for Mitochondrial disease. Last evaluated: 2021-02-17. Review status: reviewed by expert panel. Criteria: McCormick et al. (Hum Mutat. 2020). Collection method: curation. Allele origin: germline. Inheritance: Mitochondrial inheritance.
Comment: The m.8993T>C (p.L156P) variant in MT-ATP6 has been reported in >16 individuals with primary mitochondrial disease with onset ranging from the first year of life to adulthood; and who had features variably consistent with Leigh syndrome and neurogenic muscle weakness, ataxia, and retinitis pigmentosa (NARP) (PS4; PMIDs: 8395787, 16532470, 30128709, 29101127, 28003964, 26265210, 22819295, 19046652, 18055910, 16049925, 10604142). Per our literature review and a recently published review, there are no published de novo occurrences of this variant (PMID: 30763462). This variant is located at the same amino acid position as another well-known pathogenic variant, m.8993T>G (p.L156R) (PM5). This variant segregated with disease in multiple affected members in multiple families and several healthy family members had lower to undetectable levels of the variant (PP1_moderate; PMID: 10604142). In silico tools predict this variant to be pathogenic (PP3). Cybrid studies (homoplasmic for this variant) showed reduced ATP production compared to Rho+ control cell lines (PS3_supporting; PMID: 19160410). In summary, this variant meets criteria to be classified as pathogenic for primary mitochondrial disease inherited in a mitochondrial manner. This classification was approved by the NICHD U24 Mitochondrial Disease Variant Curation Expert Panel on February 17, 2021. Mitochondrial DNA-specific ACMG/AMP criteria applied: PS3_supporting, PS4, PM5, PP1_moderate, PP3).

3billion
Classification: Pathogenic for MT-ATP6-related disorder. Last evaluated: 2025-05-29. Review status: criteria provided, single submitter. Criteria: ACMG Guidelines, 2015. Collection method: clinical testing. Allele origin: germline. Affected: yes. Not counted in ClinVar's aggregate classification.
Comment: The variant is observed at an extremely low frequency in the gnomAD v4.1.0 dataset (heteroplasmic allele frequency: 0.002% and homoplasmic allele frequency: 0.002%). Predicted Consequence/Location: Mitochondrial variant Functional studies provide supporting evidence of the variant having a damaging effect on the gene or gene product (PMID: 19160410). In silico tool predictions suggest damaging effect of the variant on gene or gene product [APOGEE2: 0.97 (>= 0.716)]. The same nucleotide change resulting in the same amino acid change has been previously reported as pathogenic/likely pathogenic with strong evidence (3billion dataset/ClinVar ID: VCV000009642). The variant has been observed in multiple (>3) similarly affected unrelated individuals (PMID: 10604142, 16049925, 16532470, 18055910, 19046652, 22819295, 26265210, 28003964, 29101127, 30128709, 8395787). Therefore, this variant is classified as Pathogenic according to the recommendation of ACMG/AMP guideline.

Equipe Genetique des Anomalies du Developpement, Université de Bourgogne
Classification: Pathogenic for Leigh syndrome. Last evaluated: 2024-11-05. Review status: criteria provided, single submitter. Criteria: ACMG Guidelines, 2015. Collection method: clinical testing. Allele origin: germline. Affected: yes. Not counted in ClinVar's aggregate classification.
Comment: This m.8993T>C missense variant has been reported in litterature (PMID: 33717984, 18055910). In silico prediction scores are in favour of a deleterious effect. Pathogenic variants in the MT-ATP6 gene are responsible for Leigh syndrome (OMIM #500017). According to the available evidence, this variant is considered to be pathogenic.

Institute of Human Genetics Munich, TUM University Hospital
Classification: Pathogenic for MT-ATP6-associated disorder. Last evaluated: 2023-08-17. Review status: criteria provided, single submitter. Criteria: Classification criteria August 2017. Collection method: clinical testing. Allele origin: germline. Inheritance: Autosomal recessive inheritance. Affected: yes. Observed: 1 variant allele. Not counted in ClinVar's aggregate classification.

Mendelics
Classification: Pathogenic for Leber optic atrophy. Last evaluated: 2022-05-04. Review status: criteria provided, single submitter. Criteria: Mendelics Assertion Criteria 2019. Collection method: clinical testing. Allele origin: germline. Not counted in ClinVar's aggregate classification.

Institute of Medical Genetics and Applied Genomics, University Hospital Tübingen
Classification: Pathogenic. Last evaluated: 2020-10-23. Review status: criteria provided, single submitter. Criteria: ACMG Guidelines, 2015. Collection method: clinical testing. Allele origin: germline. Inheritance: Mitochondrial inheritance. Affected: yes. Not counted in ClinVar's aggregate classification.

Wong Mito Lab, Molecular and Human Genetics, Baylor College of Medicine
Classification: Pathogenic for NARP syndrome. Last evaluated: 2019-10-17. Review status: criteria provided, single submitter. Criteria: Modified ACMG Guidelines (Unpublished). Collection method: clinical testing. Allele origin: germline. Not counted in ClinVar's aggregate classification.
Comment: The NC_012920.1:m.8993T>C (YP_003024031.1:p.Leu156Pro) variant in MTATP6 gene is interpretated to be a Pathogenic variant based on the modified ACMG guidelines (unpublished). This variant meets the following evidence codes: PS1, PS3

Pediatric Department, Xiangya Hospital, Central South University
Classification: Pathogenic for Leigh syndrome. Review status: criteria provided, single submitter. Criteria: ACMG Guidelines, 2015. Collection method: clinical testing. Allele origin: maternal. Affected: yes. Not counted in ClinVar's aggregate classification.

Undiagnosed Diseases Network, NIH
Classification: Pathogenic for NARP syndrome. Last evaluated: 2024-02-22. Review status: no assertion criteria provided. Collection method: clinical testing. Allele origin: maternal. Inheritance: Mitochondrial inheritance. Affected: yes. Observed: 1 variant allele, 1 heterozygote. Study: Undiagnosed Diseases Network (NIH), UDN. Not counted in ClinVar's aggregate classification.

Solve-RD Consortium
Classification: Likely pathogenic for NARP syndrome. Last evaluated: 2022-06-01. Review status: no assertion criteria provided. Collection method: provider interpretation. Allele origin: maternal. Affected: yes. Not counted in ClinVar's aggregate classification.
Comment: Variant confirmed as disease-causing by referring clinical team

Variant identified during reanalysis of unsolved cases by the Solve-RD project. The Solve-RD project has received funding from the European Union’s Horizon 2020 research and innovation programme under grant agreement No 779257.

Mitochondrial Research Group, Newcastle University
Classification: Pathogenic for Mitochondrial disease. Last evaluated: 2017-05-22. Review status: no assertion criteria provided. Collection method: clinical testing. Allele origin: germline. Affected: yes. Observed: 1 variant allele. Not counted in ClinVar's aggregate classification.

OMIM
Classification: Pathogenic for MITOCHONDRIAL COMPLEX V (ATP SYNTHASE) DEFICIENCY, MITOCHONDRIAL TYPE 1. Last evaluated: 2007-12-01. Review status: no assertion criteria provided. Collection method: literature only. Allele origin: germline. Not counted in ClinVar's aggregate classification.

OMIM
Classification: Pathogenic for ATAXIA AND POLYNEUROPATHY, ADULT-ONSET. Last evaluated: 2007-12-01. Review status: no assertion criteria provided. Collection method: literature only. Allele origin: germline. Not counted in ClinVar's aggregate classification.

GeneReviews
No classification provided. Condition: Leigh syndrome. Review status: no classification provided. Collection method: literature only. Allele origin: germline. Not counted in ClinVar's aggregate classification.

Literature cited by the submitters: PubMed 10604142 (cited by 3billion); PubMed 26265210 (cited by 3billion); PubMed 29101127 (cited by 3billion); PubMed 30128709 (cited by 3billion); PubMed 16532470 (cited by 3billion); PubMed 22819295 (cited by 3billion); PubMed 19046652 (cited by 3billion); PubMed 28003964 (cited by 3billion); PubMed 19160410 (cited by 3billion); PubMed 8395787 (cited by 3billion and Wong Mito Lab, Molecular and Human Genetics, Baylor College of Medicine); PubMed 18055910 (cited by 3 submitters); PubMed 16049925 (cited by 3billion and OMIM); PubMed 33717984 (cited by Equipe Genetique des Anomalies du Developpement, Université de Bourgogne); PubMed 24986921 (cited by Institute of Human Genetics Munich, TUM University Hospital); PubMed 8190310 (cited by Wong Mito Lab, Molecular and Human Genetics, Baylor College of Medicine); PubMed 39825153 (cited by Solve-RD Consortium); PubMed 3612192 (cited by OMIM); PubMed 8750605 (cited by OMIM); PubMed 9762610 (cited by OMIM); PubMed 9568930 (cited by OMIM); PubMed 11916326 (cited by OMIM); PubMed 8644724 (cited by OMIM); PubMed 8602753 (cited by OMIM); NCBI Bookshelf NBK1173 (cited by GeneReviews).